The following is an entry in ClinVar:

ClinVar aggregate classification (germline): Pathogenic (1 of 4 stars; one submission).

Submission:

GeneDx
Classification: Pathogenic. Last evaluated: 2022-06-30. Review status: criteria provided, single submitter. Criteria: GeneDx Variant Classification Process June 2021. Collection method: clinical testing. Allele origin: germline. Affected: yes.
Comment: Not observed at significant frequency in large population cohorts (gnomAD); In silico analysis supports that this missense variant has a deleterious effect on protein structure/function; This variant is associated with the following publications: (PMID: 26986877, 33144682, 34466801, 32275123)

NM_005654.6(NR2F1):c.290A>C (p.His97Pro)

Genes: NR2F1 (nuclear receptor subfamily 2 group F member 1; plus strand), NR2F1-AS1 (NR2F1 antisense RNA 1; minus strand). Cytogenetic location: 5q15.
Variant type: single nucleotide variant.
Coding change: c.290A>C on transcript NM_005654.6 (MANE Select); coding-DNA position 290, A replaced by C.
Protein change: p.His97Pro; replaces histidine 97 with proline.
Molecular consequence: missense variant.
Genome position (GRCh38, 1-based): chr5:93,585,313, A>C. VCF-style: chr5-93585313-A-C. GRCh37 (hg19) VCF-style: chr5-92921019-A-C.
Other names: short protein forms H97P.
Identifiers: ClinVar variation 451033 (VCV000451033.4), dbSNP rs1554074673, ClinGen allele CA360525939.